The following is an entry in ClinVar:

NM_194454.3(KRIT1):c.74C>T (p.Ser25Phe)

Gene: KRIT1 (KRIT1 ankyrin repeat containing; minus strand). Cytogenetic location: 7q21.2.
Variant type: single nucleotide variant.
Coding change: c.74C>T on transcript NM_194454.3 (MANE Select); coding-DNA position 74, C replaced by T.
Protein change: p.Ser25Phe; replaces serine 25 with phenylalanine.
Molecular consequence: missense variant. On other transcripts: 5 prime UTR variant (1).
Genome position (GRCh38, 1-based): chr7:92,242,062, G>A on the plus strand (C>T on the coding strand, the complement: KRIT1 is on the minus strand). VCF-style: chr7-92242062-G-A. GRCh37 (hg19) VCF-style: chr7-91871376-G-A.
Other names: c.74C>T, p.Ser25Phe (NM_001350683.1, NM_001350684.1, NM_001350685.1 and 29 more transcripts); c.-510C>T (NM_001350671.1); short protein forms S25F.
Identifiers: ClinVar variation 1759205 (VCV001759205.5), dbSNP rs779446044, ClinGen allele CA4339489.

ClinVar aggregate classification (germline): Uncertain significance. Review status: criteria provided, multiple submitters, no conflicts (2 of 4 stars). 2 submissions from 2 submitters: Uncertain significance (2). Last evaluated 2025-07-21.

Conditions:
Inborn genetic diseases. Identifiers: MedGen C0950123, MeSH D030342.
Cerebral cavernous malformation (CCM). Also called: Cavernous Hemangioma of Brain; CAVERNOUS ANGIOMA, FAMILIAL; CAVERNOUS ANGIOMATOUS MALFORMATIONS; CEREBRAL CAPILLARY MALFORMATIONS; Cerebral cavernous malformations; Cerebral cavernous hemangioma (type). Identifiers: Orphanet 221061, MedGen C2919945, MONDO:0000820, OMIM 116860, HP:0033522.

Allele frequency attached by ClinVar (database versions not stated): ExAC 0.00002; TOPMed 0.00002.

Submissions (2):

Ambry Genetics
Classification: Uncertain significance for Inborn genetic diseases. Last evaluated: 2025-07-21. Review status: criteria provided, single submitter. Criteria: Ambry Variant Classification Scheme 2023. Collection method: clinical testing. Allele origin: germline.
Comment: The p.S25F variant (also known as c.74C>T), located in coding exon 1 of the KRIT1 gene, results from a C to T substitution at nucleotide position 74. The serine at codon 25 is replaced by phenylalanine, an amino acid with highly dissimilar properties. This amino acid position is conserved. In addition, this alteration is predicted to be deleterious by in silico analysis. Since supporting evidence is limited at this time, the clinical significance of this alteration remains unclear.

Labcorp Genetics (formerly Invitae), Labcorp
Classification: Uncertain significance for Cerebral cavernous malformation. Last evaluated: 2024-08-07. Review status: criteria provided, single submitter. Criteria: Invitae Variant Classification Sherloc (09022015). Collection method: clinical testing. Allele origin: germline.
Comment: This sequence change replaces serine, which is neutral and polar, with phenylalanine, which is neutral and non-polar, at codon 25 of the KRIT1 protein (p.Ser25Phe). This variant is present in population databases (rs779446044, gnomAD 0.03%). This variant has not been reported in the literature in individuals affected with KRIT1-related conditions. ClinVar contains an entry for this variant (Variation ID: 1759205). Advanced modeling of protein sequence and biophysical properties (such as structural, functional, and spatial information, amino acid conservation, physicochemical variation, residue mobility, and thermodynamic stability) performed at Invitae indicates that this missense variant is not expected to disrupt KRIT1 protein function with a negative predictive value of 80%. In summary, the available evidence is currently insufficient to determine the role of this variant in disease. Therefore, it has been classified as a Variant of Uncertain Significance.